The following is an entry in ClinVar:

ClinVar aggregate classification (germline): Uncertain significance (1 of 4 stars; one submission).

Allele frequency attached by ClinVar (database versions not stated): gnomAD exomes below 0.00001.
gnomAD v4.1: 6 of 1,613,768 alleles (0.00037%); highest among the groups gnomAD compares: Non-Finnish European, 0.00051%; no homozygotes.

Submission:

Labcorp Genetics (formerly Invitae), Labcorp
Classification: Uncertain significance. Last evaluated: 2024-01-03. Review status: criteria provided, single submitter. Criteria: Invitae Variant Classification Sherloc (09022015). Collection method: clinical testing. Allele origin: germline.
Comment: This sequence change replaces glutamic acid, which is acidic and polar, with lysine, which is basic and polar, at codon 826 of the EGF protein (p.Glu826Lys). This variant is present in population databases (no rsID available, gnomAD 0.002%). This variant has not been reported in the literature in individuals affected with EGF-related conditions. An algorithm developed to predict the effect of missense changes on protein structure and function (PolyPhen-2) suggests that this variant is likely to be disruptive. In summary, the available evidence is currently insufficient to determine the role of this variant in disease. Therefore, it has been classified as a Variant of Uncertain Significance.

NM_001963.6(EGF):c.2476G>A (p.Glu826Lys)

Gene: EGF (epidermal growth factor; plus strand). Cytogenetic location: 4q25.
Variant type: single nucleotide variant.
Coding change: c.2476G>A on transcript NM_001963.6 (MANE Select); coding-DNA position 2476, G replaced by A.
Protein change: p.Glu826Lys; replaces glutamic acid 826 with lysine.
Molecular consequence: missense variant.
Genome position (GRCh38, 1-based): chr4:109,983,526, G>A. VCF-style: chr4-109983526-G-A. GRCh37 (hg19) VCF-style: chr4-110904682-G-A.
Other names: c.2476G>A, p.Glu826Lys (NM_001178130.3); c.2350G>A, p.Glu784Lys (NM_001178131.3, NM_001357021.2); short protein forms E784K, E826K.
Identifiers: ClinVar variation 3021562 (VCV003021562.3), dbSNP rs1439651868, ClinGen allele CA357885920.